The following is an entry in ClinVar:

NM_138694.4(PKHD1):c.6111_6112del (p.Leu2039fs)

Gene: PKHD1 (PKHD1 ciliary IPT domain containing fibrocystin/polyductin; minus strand). Cytogenetic location: 6p12.2.
Variant type: Deletion.
Coding change: c.6111_6112del on transcript NM_138694.4 (MANE Select); coding-DNA positions 6111 to 6112, 2 bases deleted (TT; older notation c.6111_6112delTT).
Protein change: p.Leu2039fs; shifts the reading frame from leucine 2039.
Molecular consequence: frameshift variant.
Genome position (GRCh38, 1-based): chr6:51,934,119-51,934,120, AA deleted on the plus strand (TT on the coding strand, the reverse complement: PKHD1 is on the minus strand); deleting any 2 consecutive bases within chr6:51,934,119-51,934,121 gives the same sequence; the c. name uses the placement nearest the transcript's 3' end. VCF-style (leftmost placement, unchanged base first): chr6-51934118-GAA-G. GRCh37 (hg19) VCF-style: chr6-51798916-GAA-G.
Other names: c.6111_6112del, p.Leu2039fs (NM_170724.3); c.6111_6112delTT (NM_138694.3); short protein forms L2039fs.
Identifiers: ClinVar variation 3593872 (VCV003593872.2).

ClinVar aggregate classification (germline): Likely pathogenic. Review status: criteria provided, multiple submitters, no conflicts (2 of 4 stars). 2 submissions from 2 submitters: Likely pathogenic (2). Last evaluated 2024-03-27.

Conditions:
Autosomal recessive polycystic kidney disease (ARPKD). Also called: AR polycystic kidney disease. Identifiers: Orphanet 731, Orphanet 8378, MedGen C0085548, MeSH D017044, MONDO:0009889.
Polycystic kidney disease 4 (PKD4). Also called: Autosomal Recessive Polycystic Kidney Disease – PKHD1; PKD3; POLYCYSTIC KIDNEY AND HEPATIC DISEASE 1; POLYCYSTIC KIDNEY DISEASE, INFANTILE, TYPE I; POLYCYSTIC KIDNEY DISEASE 4 WITH OR WITHOUT POLYCYSTIC LIVER DISEASE. Identifiers: MedGen C4540575, MONDO:0033004, OMIM 263200.

Submissions (2):

Fulgent Genetics
Classification: Likely pathogenic for Polycystic kidney disease 4. Last evaluated: 2024-03-27. Review status: criteria provided, single submitter. Criteria: ACMG Guidelines, 2015. Collection method: clinical testing. Allele origin: germline.

Natera, Inc.
Classification: Likely pathogenic for Autosomal recessive polycystic kidney disease. Last evaluated: 2024-03-27. Review status: criteria provided, single submitter. Criteria: Natera Variant Classification Schema (03/2026). Collection method: clinical testing. Allele origin: germline.
Comment: The c.6111_6112delTT variant in PKHD1 is a frameshift variant predicted to shift the reading frame beginning at codon 2039 and leads to a stop codon 13 codons downstream. This variant is expected to result in nonsense mediated decay, truncation, or a dysfunctional protein product. This variant is rare in the general population with a frequency below the threshold expected for the associated phenotype(s). Given the available evidence, this variant is classified as Likely Pathogenic.